The following is an entry in ClinVar:

ClinVar aggregate classification (germline): Likely pathogenic (1 of 4 stars; one submission).

Conditions:
Brachyolmia-amelogenesis imperfecta syndrome. Also called: PLATYSPONDYLY WITH AMELOGENESIS IMPERFECTA; Tooth agenesis, selective, 6; Dental anomalies and short stature. Identifiers: Orphanet 2899, MedGen C1832594, MONDO:0011018, OMIM 601216. Disease mechanism: loss of function.

Submission:

Labcorp Genetics (formerly Invitae), Labcorp
Classification: Likely pathogenic for Brachyolmia-amelogenesis imperfecta syndrome. Last evaluated: 2022-07-21. Review status: criteria provided, single submitter. Criteria: Invitae Variant Classification Sherloc (09022015). Collection method: clinical testing. Allele origin: germline.
Comment: This variant has not been reported in the literature in individuals affected with LTBP3-related conditions. This sequence change affects an acceptor splice site in intron 2 of the LTBP3 gene. It is expected to disrupt RNA splicing. Variants that disrupt the donor or acceptor splice site typically lead to a loss of protein function (PMID: 16199547), and loss-of-function variants in LTBP3 are known to be pathogenic (PMID: 11790802, 19344874, 25669657). The frequency data for this variant in the population databases is considered unreliable, as metrics indicate poor data quality at this position in the gnomAD database. Algorithms developed to predict the effect of sequence changes on RNA splicing suggest that this variant may disrupt the consensus splice site. In summary, the currently available evidence indicates that the variant is pathogenic, but additional data are needed to prove that conclusively. Therefore, this variant has been classified as Likely Pathogenic.

Literature cited by the submitters: PubMed 16199547; PubMed 11790802; PubMed 19344874; PubMed 25669657.

NM_001130144.3(LTBP3):c.662-2A>C

Gene: LTBP3 (latent transforming growth factor beta binding protein 3; minus strand). Cytogenetic location: 11q13.1.
Variant type: single nucleotide variant.
Coding change: c.662-2A>C on transcript NM_001130144.3 (MANE Select); the canonical splice acceptor site of the intron before coding-DNA position 662, A replaced by C.
Molecular consequence: splice acceptor variant.
Genome position (GRCh38, 1-based): chr11:65,553,905, T>G on the plus strand (A>C on the coding strand, the complement: LTBP3 is on the minus strand). VCF-style: chr11-65553905-T-G. GRCh37 (hg19) VCF-style: chr11-65321376-T-G.
Other names: c.311-2A>C (NM_001164266.1); c.662-2A>C (NM_021070.4).
Identifiers: ClinVar variation 2018199 (VCV002018199.4), dbSNP rs1313103908, ClinGen allele CA381276149.